The following is an entry in ClinVar:

NM_001368882.1(COL13A1):c.550-2A>G

Gene: COL13A1 (collagen type XIII alpha 1 chain; plus strand). Cytogenetic location: 10q22.1.
Variant type: single nucleotide variant.
Coding change: c.550-2A>G on transcript NM_001368882.1 (MANE Select); the canonical splice acceptor site of the intron before coding-DNA position 550, A replaced by G.
Molecular consequence: splice acceptor variant.
Genome position (GRCh38, 1-based): chr10:69,888,302, A>G. VCF-style: chr10-69888302-A-G. GRCh37 (hg19) VCF-style: chr10-71648058-A-G.
Other names: c.550-2A>G (NM_001320951.2, NM_001368884.1); c.523-2A>G (NM_001130103.2, NM_080801.4, NM_080802.4 and 1 more transcripts); c.-51-2A>G (NM_001368886.1); c.514-2A>G (NM_001368883.1, NM_001368885.1); c.436-2A>G (NM_080805.4, NM_001368897.1); c.460-2A>G (NM_001368895.1); c.409-2A>G (NM_001368898.1, NM_080798.4, NM_001368896.1).
Identifiers: ClinVar variation 1482812 (VCV001482812.8), dbSNP rs2134557917, ClinGen allele CA376931957.

ClinVar aggregate classification (germline): Likely pathogenic (1 of 4 stars; one submission).

Allele frequency attached by ClinVar (database versions not stated): gnomAD exomes 0.00001.
gnomAD v4.1: 12 of 1,612,848 alleles (0.00074%); highest among the groups gnomAD compares: Non-Finnish European, 0.001%; no homozygotes.

Submission:

Labcorp Genetics (formerly Invitae), Labcorp
Classification: Likely pathogenic. Last evaluated: 2022-09-01. Review status: criteria provided, single submitter. Criteria: Invitae Variant Classification Sherloc (09022015). Collection method: clinical testing. Allele origin: germline.
Comment: ClinVar contains an entry for this variant (Variation ID: 1482812). This variant has not been reported in the literature in individuals affected with COL13A1-related conditions. This variant is not present in population databases (gnomAD no frequency). This sequence change affects an acceptor splice site in intron 7 of the COL13A1 gene. It is expected to disrupt RNA splicing. Variants that disrupt the donor or acceptor splice site typically lead to a loss of protein function (PMID: 16199547), and loss-of-function variants in COL13A1 are known to be pathogenic (PMID: 26626625). In summary, the currently available evidence indicates that the variant is pathogenic, but additional data are needed to prove that conclusively. Therefore, this variant has been classified as Likely Pathogenic. Algorithms developed to predict the effect of sequence changes on RNA splicing suggest that this variant may disrupt the consensus splice site.

Literature cited by the submitters: PubMed 16199547; PubMed 26626625.